The following is an entry in ClinVar:

ClinVar aggregate classification (germline): Uncertain significance. Review status: criteria provided, multiple submitters, no conflicts (2 of 4 stars). 2 submissions from 2 submitters: Uncertain significance (2). Last evaluated 2023-12-12.

Conditions:
Inborn genetic diseases. Identifiers: MedGen C0950123, MeSH D030342.
Familial infantile myasthenia (CMS6). Also called: Congenital myasthenic syndrome type 6; MYASTHENIC SYNDROME, PRESYNAPTIC, CONGENITAL, ASSOCIATED WITH EPISODIC APNEA; MYASTHENIC SYNDROME, CONGENITAL, 6, PRESYNAPTIC. Identifiers: Orphanet 590, MedGen C0393929, MONDO:0009689, OMIM 254210.

Allele frequency attached by ClinVar (database versions not stated): TOPMed 0.00001.
gnomAD v4.1: 2 of 1,544,468 alleles (0.00013%); highest among the groups gnomAD compares: Non-Finnish European, 0.00017%; no homozygotes.

Submissions (2):

Ambry Genetics
Classification: Uncertain significance for Inborn genetic diseases. Last evaluated: 2023-12-12. Review status: criteria provided, single submitter. Criteria: Ambry Variant Classification Scheme 2023. Collection method: clinical testing. Allele origin: germline.

Labcorp Genetics (formerly Invitae), Labcorp
Classification: Uncertain significance for Familial infantile myasthenia. Last evaluated: 2021-08-27. Review status: criteria provided, single submitter. Criteria: Invitae Variant Classification Sherloc (09022015). Collection method: clinical testing. Allele origin: germline.
Comment: This sequence change replaces proline with threonine at codon 61 of the CHAT protein (p.Pro61Thr). The proline residue is weakly conserved and there is a small physicochemical difference between proline and threonine. The frequency data for this variant in the population databases is considered unreliable, as metrics indicate insufficient coverage at this position in the ExAC database. This variant has not been reported in the literature in individuals affected with CHAT-related conditions. Algorithms developed to predict the effect of missense changes on protein structure and function are either unavailable or do not agree on the potential impact of this missense change (SIFT: "Tolerated"; PolyPhen-2: "Not Available"; Align-GVGD: "Class C0"). In summary, the available evidence is currently insufficient to determine the role of this variant in disease. Therefore, it has been classified as a Variant of Uncertain Significance.

NM_020549.5(CHAT):c.181C>A (p.Pro61Thr)

Gene: CHAT (choline O-acetyltransferase; plus strand). Cytogenetic location: 10q11.23.
Variant type: single nucleotide variant.
Coding change: c.181C>A on transcript NM_020549.5 (MANE Select); coding-DNA position 181, C replaced by A.
Protein change: p.Pro61Thr; replaces proline 61 with threonine.
Molecular consequence: missense variant. On other transcripts: 5 prime UTR variant (4), intron variant (2).
Genome position (GRCh38, 1-based): chr10:49,614,370, C>A. VCF-style: chr10-49614370-C-A. GRCh37 (hg19) VCF-style: chr10-50822416-C-A.
Other names: c.-174C>A (NM_001142929.2, NM_020985.4); c.-136C>A (NM_001142933.2); c.-244C>A (NM_001142934.2); c.-68-2132C>A (NM_020984.4); c.-69+1168C>A (NM_020986.4); short protein forms P61T.
Identifiers: ClinVar variation 648295 (VCV000648295.6), dbSNP rs923971969, ClinGen allele CA206622923.
Genomic context (GRCh38, chr10:49,614,370, plus strand): 5'-GGCCGCGGGGACCCGGGCGACGTCGGAGGCCCTGCCGGGAACCCAGGCTGCAGCCCCCAC[C>A]CCCGCGCTGCGACACGCCCCCCACCCCTTCCGGCTCACACCCCCGCCCACACTCCTGAGT-3'
Protein context (NP_065574.4, residues 51-71): PAGNPGCSPH[Pro61Thr]RAATRPPPLP